The following is an entry in ClinVar:

ClinVar aggregate classification (germline): Uncertain significance (1 of 4 stars; one submission).

Allele frequency attached by ClinVar (database versions not stated): gnomAD exomes below 0.00001.

Submission:

Ambry Genetics
Classification: Uncertain significance. Last evaluated: 2023-11-15. Review status: criteria provided, single submitter. Criteria: Ambry Variant Classification Scheme 2023. Collection method: clinical testing. Allele origin: germline.
Comment: The p.M290I variant (also known as c.870G>A), located in coding exon 1 of the MLH3 gene, results from a G to A substitution at nucleotide position 870. The methionine at codon 290 is replaced by isoleucine, an amino acid with highly similar properties. This amino acid position is conserved. In addition, this alteration is predicted to be tolerated by in silico analysis. Since supporting evidence is limited at this time, the clinical significance of this alteration remains unclear.

NM_001040108.2(MLH3):c.870G>A (p.Met290Ile)

Gene: MLH3 (mutL homolog 3; minus strand). Cytogenetic location: 14q24.3.
Variant type: single nucleotide variant.
Coding change: c.870G>A on transcript NM_001040108.2 (MANE Select); coding-DNA position 870, G replaced by A.
Protein change: p.Met290Ile; replaces methionine 290 with isoleucine.
Molecular consequence: missense variant.
Genome position (GRCh38, 1-based): chr14:75,048,786, C>T on the plus strand (G>A on the coding strand, the complement: MLH3 is on the minus strand). VCF-style: chr14-75048786-C-T. GRCh37 (hg19) VCF-style: chr14-75515489-C-T.
Other names: c.870G>A, p.Met290Ile (NM_014381.3); short protein forms M290I.
Identifiers: ClinVar variation 3232601 (VCV003232601.1), dbSNP rs2139596639, ClinGen allele CA390448853.